The following is an entry in ClinVar:

NM_206933.4(USH2A):c.9552C>G (p.Cys3184Trp)

Gene: USH2A (usherin; minus strand). Cytogenetic location: 1q41.
Variant type: single nucleotide variant.
Coding change: c.9552C>G on transcript NM_206933.4 (MANE Select); coding-DNA position 9552, C replaced by G.
Protein change: p.Cys3184Trp; replaces cysteine 3184 with tryptophan.
Molecular consequence: missense variant.
Genome position (GRCh38, 1-based): chr1:215,817,015, G>C on the plus strand (C>G on the coding strand, the complement: USH2A is on the minus strand). VCF-style: chr1-215817015-G-C. GRCh37 (hg19) VCF-style: chr1-215990357-G-C.
Other names: short protein forms C3184W.
Identifiers: ClinVar variation 4800032 (VCV004800032.1).

ClinVar aggregate classification (germline): Uncertain significance (1 of 4 stars; one submission).

Submission:

Labcorp Genetics (formerly Invitae), Labcorp
Classification: Uncertain significance. Last evaluated: 2025-10-26. Review status: criteria provided, single submitter. Criteria: Invitae Variant Classification Sherloc (09022015). Collection method: clinical testing. Allele origin: germline.
Comment: This sequence change replaces cysteine, which is neutral and slightly polar, with tryptophan, which is neutral and slightly polar, at codon 3184 of the USH2A protein (p.Cys3184Trp). This variant is not present in population databases (gnomAD no frequency). This variant has not been reported in the literature in individuals affected with USH2A-related conditions. Invitae Evidence Modeling of protein sequence and biophysical properties (such as structural, functional, and spatial information, amino acid conservation, physicochemical variation, residue mobility, and thermodynamic stability) has been performed for this missense variant. However, the output from this modeling did not meet the statistical confidence thresholds required to predict the impact of this variant on USH2A protein function. In summary, the available evidence is currently insufficient to determine the role of this variant in disease. Therefore, it has been classified as a Variant of Uncertain Significance.